The following is an entry in ClinVar:

ClinVar aggregate classification (germline): Pathogenic (1 of 4 stars; one submission).

Submission:

CeGaT Center for Human Genetics Tuebingen
Classification: Pathogenic. Last evaluated: 2025-07-01. Review status: criteria provided, single submitter. Criteria: CeGaT Center For Human Genetics Tuebingen Variant Classification Criteria Version 2. Collection method: clinical testing. Allele origin: germline. Affected: yes. Observed: 1 variant allele.
Comment: BRCA2: PVS1, PM2

NM_000059.4(BRCA2):c.300del (p.Lys100fs)

Gene: BRCA2 (BRCA2 DNA repair associated; plus strand). Cytogenetic location: 13q13.1.
Variant type: Deletion.
Coding change: c.300del on transcript NM_000059.4 (MANE Select); coding-DNA position 300, one base deleted (A; older notation c.300delA).
Protein change: p.Lys100fs; shifts the reading frame from lysine 100.
Molecular consequence: frameshift variant. On other transcripts: 5 prime UTR variant (1), non-coding transcript variant (1).
Genome position (GRCh38, 1-based): chr13:32,319,309, A deleted; the last of 3 consecutive A bases (chr13:32,319,307-32,319,309); deleting any one gives the same sequence. VCF-style (leftmost placement, unchanged base first): chr13-32319306-TA-T. GRCh37 (hg19) VCF-style: chr13-32893443-TA-T.
Other names: c.300del, p.Lys100fs (NM_001406719.1, NM_001406720.1, NM_001406721.1 and 1 more transcripts); c.-70del (NM_001406722.1); short protein forms K100fs.
Identifiers: ClinVar variation 4085420 (VCV004085420.8).
Genomic context (GRCh38, chr13:32,319,306, plus strand): 5'-AATATTCAAAGAGCAAGGGCTGACTCTGCCGCTGTACCAATCTCCTGTAAAAGAATTAGA[TA>T]AATTCAAATTAGACTTAGGTAAGTAATGCAATATGGTAGACTGGGGAGAACTACAAACTA-3'